The following is an entry in ClinVar:

ClinVar aggregate classification (germline): Likely benign. Review status: criteria provided, multiple submitters, no conflicts (2 of 4 stars). 2 submissions from 2 submitters: Likely benign (2). Last evaluated 2026-04-08.

Conditions:
SYNE1-related disorder. Also called: SYNE1-related disease; SYNE1-related condition; SYNE1-related disorders.
Emery-Dreifuss muscular dystrophy 4, autosomal dominant (EDMD4). Also called: EMERY-DREIFUSS MUSCULAR DYSTROPHY 4 WITH VARIABLE FEATURES. Identifiers: Orphanet 261, MedGen C2751807, MONDO:0013071, OMIM 612998.
Autosomal recessive ataxia, Beauce type. Also called: Spinocerebellar ataxia, autosomal recessive 8; SYNE1 Deficiency; ATAXIA, RECESSIVE, OF BEAUCE; SYNE1-Related Autosomal Recessive Cerebellar Ataxia. Identifiers: Orphanet 88644, MedGen C1853116, MONDO:0012549, OMIM 610743.

gnomAD v4.1: 2 of 1,612,368 alleles (0.00012%); highest among the groups gnomAD compares: Non-Finnish European, 0.00017%; no homozygotes.

Submissions (2):

PreventionGenetics, part of Exact Sciences
Classification: Likely benign for SYNE1-related condition. Last evaluated: 2026-04-08. Review status: criteria provided, single submitter. Criteria: ACMG Guidelines, 2015. Collection method: clinical testing. Allele origin: germline.
Comment: This variant is classified as likely benign based on ACMG/AMP sequence variant interpretation guidelines (Richards et al. 2015 PMID: 25741868, with internal and published modifications).

Labcorp Genetics (formerly Invitae), Labcorp
Classification: Likely benign for Emery-Dreifuss muscular dystrophy 4, autosomal dominant; Autosomal recessive ataxia, Beauce type. Last evaluated: 2024-01-31. Review status: criteria provided, single submitter. Criteria: Invitae Variant Classification Sherloc (09022015). Collection method: clinical testing. Allele origin: germline.

NM_182961.4(SYNE1):c.17226A>G (p.Gln5742=)

Gene: SYNE1 (spectrin repeat containing nuclear envelope protein 1; minus strand). Cytogenetic location: 6q25.2.
Variant type: single nucleotide variant.
Coding change: c.17226A>G on transcript NM_182961.4 (MANE Select); coding-DNA position 17226, A replaced by G.
Protein change: p.Gln5742=; no amino-acid change (glutamine 5742 retained).
Molecular consequence: synonymous variant.
Genome position (GRCh38, 1-based): chr6:152,308,609, T>C on the plus strand (A>G on the coding strand, the complement: SYNE1 is on the minus strand). VCF-style: chr6-152308609-T-C. GRCh37 (hg19) VCF-style: chr6-152629744-T-C.
Other names: c.17013A>G, p.Gln5671= (NM_033071.5).
Identifiers: ClinVar variation 3754302 (VCV003754302.3).